The following is an entry in ClinVar:

NM_032638.5(GATA2):c.940T>G (p.Tyr314Asp)

Gene: GATA2 (GATA binding protein 2; minus strand). Cytogenetic location: 3q21.3.
Variant type: single nucleotide variant.
Coding change: c.940T>G on transcript NM_032638.5 (MANE Select); coding-DNA position 940, T replaced by G.
Protein change: p.Tyr314Asp; replaces tyrosine 314 with aspartic acid.
Molecular consequence: missense variant.
Genome position (GRCh38, 1-based): chr3:128,483,937, A>C on the plus strand (T>G on the coding strand, the complement: GATA2 is on the minus strand). VCF-style: chr3-128483937-A-C. GRCh37 (hg19) VCF-style: chr3-128202780-A-C.
Other names: c.940T>G, p.Tyr314Asp (NM_001145661.2, NM_001145662.1); short protein forms Y314D.
Identifiers: ClinVar variation 3853010 (VCV003853010.1).

ClinVar aggregate classification (germline): Uncertain significance (1 of 4 stars; one submission).

Conditions:
Inborn genetic diseases. Identifiers: MedGen C0950123, MeSH D030342.

Submission:

Ambry Genetics
Classification: Uncertain significance for Inborn genetic diseases. Last evaluated: 2024-12-20. Review status: criteria provided, single submitter. Criteria: Ambry Variant Classification Scheme 2023. Collection method: clinical testing. Allele origin: germline.
Comment: The p.Y314D variant (also known as c.940T>G), located in coding exon 3 of the GATA2 gene, results from a T to G substitution at nucleotide position 940. The tyrosine at codon 314 is replaced by aspartic acid, an amino acid with highly dissimilar properties. This amino acid position is conserved. In addition, this alteration is predicted to be deleterious by in silico analysis. Based on the available evidence, the clinical significance of this variant remains unclear.